The following is an entry in ClinVar:

ClinVar aggregate classification (germline): Benign. Review status: criteria provided, multiple submitters, no conflicts (2 of 4 stars). 2 submissions from 2 submitters: Benign (2). Last evaluated 2018-06-18.

Allele frequency attached by ClinVar (database versions not stated): 1000 Genomes Project 30x 0.82511; TOPMed 0.82908; 1000 Genomes Project 0.83147; gnomAD 0.84060 and 0.84723; gnomAD exomes 0.92705.
gnomAD v4.1: 314,562 of 352,442 alleles (89%); highest among the groups gnomAD compares: South Asian, 96%; 142,240 homozygotes.

Submissions (2):

GeneDx
Classification: Benign. Last evaluated: 2018-06-18. Review status: criteria provided, single submitter. Criteria: GeneDx Variant Classification (06012015). Collection method: clinical testing. Allele origin: germline. Affected: yes.
Comment: This variant is considered likely benign or benign based on one or more of the following criteria: it is a conservative change, it occurs at a poorly conserved position in the protein, it is predicted to be benign by multiple in silico algorithms, and/or has population frequency not consistent with disease.

Breakthrough Genomics
Classification: Benign. Review status: criteria provided, single submitter. Criteria: ACMG Guidelines, 2015. Collection method: not provided. Allele origin: germline. Inheritance: Autosomal recessive inheritance. Affected: yes.

NM_001077365.2(POMT1):c.1699-339A>G

Gene: POMT1 (protein O-mannosyltransferase 1; plus strand). Cytogenetic location: 9q34.13.
Variant type: single nucleotide variant.
Coding change: c.1699-339A>G on transcript NM_001077365.2 (MANE Select); 339 bases into the intron before coding-DNA position 1699, A replaced by G.
Molecular consequence: intron variant.
Genome position (GRCh38, 1-based): chr9:131,521,007, A>G. VCF-style: chr9-131521007-A-G. GRCh37 (hg19) VCF-style: chr9-134396394-A-G.
Other names: c.1603-339A>G (NM_001353198.2, NM_001353197.2); c.1765-339A>G (NM_001353193.2, NM_007171.4); c.1699-339A>G (NM_001136113.2); c.1537-339A>G (NM_001353194.2, NM_001077366.2); c.1348-339A>G (NM_001374691.1, NM_001353195.2, NM_001374692.1 and 2 more transcripts); c.1480-339A>G (NM_001374690.1); c.1609-339A>G (NM_001353196.2); c.1309-339A>G (NM_001374695.1); and 3 more.
Identifiers: ClinVar variation 683948 (VCV000683948.2), dbSNP rs4740258, ClinGen allele CA13040154.